The following is an entry in ClinVar:

NM_001190274.2(FBXO11):c.149_196del (p.Gln50_Pro65del)

Genes: FBXO11 (F-box protein 11; minus strand), LOC100506235 (uncharacterized LOC100506235; plus strand). Cytogenetic location: 2p16.3.
Variant type: Deletion.
Coding change: c.149_196del on transcript NM_001190274.2 (MANE Select); coding-DNA positions 149 to 196, 48 bases deleted.
Protein change: p.Gln50_Pro65del.
Genome position (GRCh38, 1-based): chr2:47,905,525-47,905,572, 48 bases deleted; deleting any 48 consecutive bases within chr2:47,905,525-47,905,576 gives the same sequence; the c. name uses the placement nearest the transcript's 3' end. GRCh37 (hg19): chr2:48,132,668-48,132,715.
Identifiers: ClinVar variation 2746463 (VCV002746463.3), dbSNP rs2528151386, ClinGen allele CA2658974927.

ClinVar aggregate classification (germline): Uncertain significance (1 of 4 stars; one submission).

Submission:

Labcorp Genetics (formerly Invitae), Labcorp
Classification: Uncertain significance. Last evaluated: 2023-07-25. Review status: criteria provided, single submitter. Criteria: Invitae Variant Classification Sherloc (09022015). Collection method: clinical testing. Allele origin: germline.
Comment: This variant is not present in population databases (gnomAD no frequency). In summary, the available evidence is currently insufficient to determine the role of this variant in disease. Therefore, it has been classified as a Variant of Uncertain Significance. Experimental studies and prediction algorithms are not available or were not evaluated, and the functional significance of this variant is currently unknown. This variant has not been reported in the literature in individuals affected with FBXO11-related conditions. This variant, c.149_196del, results in the deletion of 16 amino acid(s) of the FBXO11 protein (p.Gln50_Pro65del), but otherwise preserves the integrity of the reading frame.